The following is an entry in ClinVar:

ClinVar aggregate classification (germline): Uncertain significance. Review status: criteria provided, multiple submitters, no conflicts (2 of 4 stars). 3 submissions from 3 submitters: Uncertain significance (3). Last evaluated 2025-05-14.

Conditions:
Inborn genetic diseases. Identifiers: MedGen C0950123, MeSH D030342.

Submissions (3):

Labcorp Genetics (formerly Invitae), Labcorp
Classification: Uncertain significance. Last evaluated: 2025-05-14. Review status: criteria provided, single submitter. Criteria: Invitae Variant Classification Sherloc (09022015). Collection method: clinical testing. Allele origin: germline.
Comment: This sequence change replaces threonine, which is neutral and polar, with serine, which is neutral and polar, at codon 30 of the CACNA1D protein (p.Thr30Ser). This variant is not present in population databases (gnomAD no frequency). This variant has not been reported in the literature in individuals affected with CACNA1D-related conditions. ClinVar contains an entry for this variant (Variation ID: 1974483). An algorithm developed to predict the effect of missense changes on protein structure and function outputs the following: PolyPhen-2: "Benign". The serine amino acid residue is found in multiple mammalian species, which suggests that this missense change does not adversely affect protein function. In summary, the available evidence is currently insufficient to determine the role of this variant in disease. Therefore, it has been classified as a Variant of Uncertain Significance.

Ambry Genetics
Classification: Uncertain significance for Inborn genetic diseases. Last evaluated: 2023-12-15. Review status: criteria provided, single submitter. Criteria: Ambry Variant Classification Scheme 2023. Collection method: clinical testing. Allele origin: germline.

GeneDx
Classification: Uncertain significance. Last evaluated: 2023-04-26. Review status: criteria provided, single submitter. Criteria: GeneDx Variant Classification Process June 2021. Collection method: clinical testing. Allele origin: germline. Affected: yes.
Comment: Not observed at significant frequency in large population cohorts (gnomAD); In silico analysis supports that this missense variant does not alter protein structure/function; Has not been previously published as pathogenic or benign to our knowledge

NM_001128840.3(CACNA1D):c.89C>G (p.Thr30Ser)

Gene: CACNA1D (calcium voltage-gated channel subunit alpha1 D; plus strand). Cytogenetic location: 3p21.1.
Variant type: single nucleotide variant.
Coding change: c.89C>G on transcript NM_001128840.3 (MANE Select); coding-DNA position 89, C replaced by G.
Protein change: p.Thr30Ser; replaces threonine 30 with serine.
Molecular consequence: missense variant.
Genome position (GRCh38, 1-based): chr3:53,497,173, C>G. VCF-style: chr3-53497173-C-G. GRCh37 (hg19) VCF-style: chr3-53531200-C-G.
Other names: c.89C>G (NM_000720.2); c.89C>G, p.Thr30Ser (NM_000720.4, NM_001128839.3); short protein forms T30S.
Identifiers: ClinVar variation 1974483 (VCV001974483.7), dbSNP rs2090388068, ClinGen allele CA353381720.
Genomic context (GRCh38, chr3:53,497,173, plus strand): 5'-TTTAAAAAAAAAAATCTTTGTTTTTCTCCTTCTCCCCAGAGGCAAACTATGCAAGAGGCA[C>G]CAGACTTCCTCTTTCTGGTGAAGGACCAACTTCTCAGCCGAATAGCTCCAAGCAAACTGT-3'
Protein context (NP_001122312.1, residues 20-40): HANEANYARG[Thr30Ser]RLPLSGEGPT